The following is an entry in ClinVar:

NM_152431.3(PIWIL4):c.1779C>G (p.Thr593=)

Genes: PIWIL4 (piwi like RNA-mediated gene silencing 4; plus strand), PIWIL4-AS1 (PIWIL4 antisense RNA 1; minus strand). Cytogenetic location: 11q21.
Variant type: single nucleotide variant.
Coding change: c.1779C>G on transcript NM_152431.3 (MANE Select); coding-DNA position 1779, C replaced by G.
Protein change: p.Thr593=; no amino-acid change (threonine 593 retained).
Molecular consequence: synonymous variant.
Genome position (GRCh38, 1-based): chr11:94,607,579, C>G. VCF-style: chr11-94607579-C-G. GRCh37 (hg19) VCF-style: chr11-94340745-C-G.
Identifiers: ClinVar variation 4822845 (VCV004822845.4).

ClinVar aggregate classification (germline): Likely benign (1 of 4 stars; one submission).

gnomAD v4.1: 3 of 1,613,946 alleles (0.00019%); highest among the groups gnomAD compares: African/African-American, 0.004%; no homozygotes.

Submission:

CeGaT Center for Human Genetics Tuebingen
Classification: Likely benign. Last evaluated: 2026-01-01. Review status: criteria provided, single submitter. Criteria: CeGaT Center For Human Genetics Tuebingen Variant Classification Criteria Version 2. Collection method: clinical testing. Allele origin: germline. Affected: yes. Observed: 1 variant allele.
Comment: PIWIL4: BP4, BP7